The following is an entry in ClinVar:

NM_020738.4(KIDINS220):c.4388C>A (p.Ser1463Ter)

Gene: KIDINS220 (kinase D interacting substrate 220; minus strand). Cytogenetic location: 2p25.1.
Variant type: single nucleotide variant.
Coding change: c.4388C>A on transcript NM_020738.4 (MANE Select); coding-DNA position 4388, C replaced by A.
Protein change: p.Ser1463Ter; replaces serine 1463 with a stop codon.
Molecular consequence: nonsense. On other transcripts: intron variant (6).
Genome position (GRCh38, 1-based): chr2:8,731,648, G>T on the plus strand (C>A on the coding strand, the complement: KIDINS220 is on the minus strand). VCF-style: chr2-8731648-G-T. GRCh37 (hg19) VCF-style: chr2-8871778-G-T.
Other names: c.4391C>A, p.Ser1464Ter (NM_001348729.2); c.4334C>A, p.Ser1445Ter (NM_001348731.2); c.4331C>A, p.Ser1444Ter (NM_001348732.2); c.4220C>A, p.Ser1407Ter (NM_001348734.2); c.4217C>A, p.Ser1406Ter (NM_001348735.2); c.4091C>A, p.Ser1364Ter (NM_001348736.2); c.3882+1796C>A (NM_001348741.2, NM_001348742.2, NM_001348743.2); c.3996+1796C>A (NM_001348738.2); and 1 more; short protein forms S1364*, S1406*, S1407*, S1444*, S1445*, S1463*, S1464*.
Identifiers: ClinVar variation 1526161 (VCV001526161.1), dbSNP rs2147945457, ClinGen allele CA345764795.

ClinVar aggregate classification (germline): Likely pathogenic (1 of 4 stars; one submission).

Conditions:
Spastic paraplegia, intellectual disability, nystagmus, and obesity. Also called: Spastic paraplegia, intellectual disability, nystagmus, and obesity;. Identifiers: Orphanet 521390, MedGen C4284592, MONDO:0015007, OMIM 617296.

Submission:

3billion
Classification: Likely pathogenic for Spastic paraplegia, intellectual disability, nystagmus, and obesity. Last evaluated: 2022-03-22. Review status: criteria provided, single submitter. Criteria: ACMG Guidelines, 2015. Collection method: clinical testing. Allele origin: germline. Affected: yes. Observed: 1 heterozygote.
Comment: Stop-gained (nonsense): predicted to result in a loss or disruption of normal protein function through protein truncation. Multiple pathogenic variants are reported in the predicted truncated region.. It is not observed in the gnomAD v2.1.1 dataset. Therefore, this variant is classified as likely pathogenic according to the recommendation of ACMG/AMP guideline.